The following is an entry in ClinVar:

NM_000051.4(ATM):c.1608-9T>G

Gene: ATM (ATM serine/threonine kinase; plus strand). Cytogenetic location: 11q22.3.
Variant type: single nucleotide variant.
Coding change: c.1608-9T>G on transcript NM_000051.4 (MANE Select); 9 bases into the intron before coding-DNA position 1608, T replaced by G.
Molecular consequence: intron variant.
Genome position (GRCh38, 1-based): chr11:108,251,828, T>G. VCF-style: chr11-108251828-T-G. GRCh37 (hg19) VCF-style: chr11-108122555-T-G.
Other names: c.1608-9T>G (NM_001351834.2).
Identifiers: ClinVar variation 3648757 (VCV003648757.2).

ClinVar aggregate classification (germline): Uncertain significance (1 of 4 stars; one submission).

Conditions:
Ataxia-telangiectasia syndrome (AT). Also called: ATAXIA-TELANGIECTASIA, COMPLEMENTATION GROUP A; ATAXIA-TELANGIECTASIA, FRESNO VARIANT; LOUIS-BAR SYNDROME; Ataxia-telangiectasia, complementation group D; Ataxia-telangiectasia, complementation group E; Cerebello-oculocutaneous telangiectasia. Identifiers: Orphanet 100, MedGen C0004135, MONDO:0008840, OMIM 208900.

Submission:

Labcorp Genetics (formerly Invitae), Labcorp
Classification: Uncertain significance for Ataxia-telangiectasia syndrome. Last evaluated: 2024-04-04. Review status: criteria provided, single submitter. Criteria: Invitae Variant Classification Sherloc (09022015). Collection method: clinical testing. Allele origin: germline.
Comment: This sequence change falls in intron 10 of the ATM gene. It does not directly change the encoded amino acid sequence of the ATM protein. This variant is not present in population databases (gnomAD no frequency). This variant has not been reported in the literature in individuals affected with ATM-related conditions. Algorithms developed to predict the effect of sequence changes on RNA splicing suggest that this variant may disrupt the consensus splice site. In summary, the available evidence is currently insufficient to determine the role of this variant in disease. Therefore, it has been classified as a Variant of Uncertain Significance.